The following is an entry in ClinVar:

ClinVar aggregate classification (germline): Uncertain significance (1 of 4 stars; one submission).

Conditions:
BAP1-related tumor predisposition syndrome (TPDS1). Also called: BAP1 tumor predisposition syndrome; TUMOR PREDISPOSITION SYNDROME 1; Tumor susceptibility linked to germline BAP1 mutations; COMMON Syndrome. Identifiers: Orphanet 289539, MedGen C3280492, MONDO:0013692, OMIM 614327.

Submission:

Labcorp Genetics (formerly Invitae), Labcorp
Classification: Uncertain significance for BAP1-related tumor predisposition syndrome. Last evaluated: 2023-10-13. Review status: criteria provided, single submitter. Criteria: Invitae Variant Classification Sherloc (09022015). Collection method: clinical testing. Allele origin: germline.
Comment: This sequence change replaces aspartic acid, which is acidic and polar, with valine, which is neutral and non-polar, at codon 376 of the BAP1 protein (p.Asp376Val). This variant is not present in population databases (gnomAD no frequency). This variant has not been reported in the literature in individuals affected with BAP1-related conditions. ClinVar contains an entry for this variant (Variation ID: 1718497). Advanced modeling of protein sequence and biophysical properties (such as structural, functional, and spatial information, amino acid conservation, physicochemical variation, residue mobility, and thermodynamic stability) performed at Invitae indicates that this missense variant is not expected to disrupt BAP1 protein function. In summary, the available evidence is currently insufficient to determine the role of this variant in disease. Therefore, it has been classified as a Variant of Uncertain Significance.

NM_004656.4(BAP1):c.1127A>T (p.Asp376Val)

Gene: BAP1 (BRCA1 associated deubiquitinase 1; minus strand). Cytogenetic location: 3p21.1.
Variant type: single nucleotide variant.
Coding change: c.1127A>T on transcript NM_004656.4 (MANE Select); coding-DNA position 1127, A replaced by T.
Protein change: p.Asp376Val; replaces aspartic acid 376 with valine.
Molecular consequence: missense variant.
Genome position (GRCh38, 1-based): chr3:52,404,576, T>A on the plus strand (A>T on the coding strand, the complement: BAP1 is on the minus strand). VCF-style: chr3-52404576-T-A. GRCh37 (hg19) VCF-style: chr3-52438592-T-A.
Other names: c.1073A>T, p.Asp358Val (NM_001410772.1); short protein forms D358V, D376V.
Identifiers: ClinVar variation 1718497 (VCV001718497.6), dbSNP rs1578222389, ClinGen allele CA353103445.